The following is an entry in ClinVar:

ClinVar aggregate classification (germline): Pathogenic. Review status: criteria provided, single submitter (1 of 4 stars). 2 submissions from 2 submitters: Pathogenic (1). 1 of the submissions does not count toward it. Last evaluated 2020-05-27.

Conditions:
Neurofibromatosis, type 1 (NF1). Also called: Peripheral type neurofibromatosis; Neurofibromatosis, type I; VON RECKLINGHAUSEN DISEASE; NEUROFIBROMATOSIS, TYPE I, SOMATIC. Identifiers: Orphanet 636, MedGen C0027831, MONDO:0018975, OMIM 162200. Disease mechanism: loss of function.

Submissions (2):

Labcorp Genetics (formerly Invitae), Labcorp
Classification: Pathogenic for Neurofibromatosis, type 1. Last evaluated: 2020-05-27. Review status: criteria provided, single submitter. Criteria: Invitae Variant Classification Sherloc (09022015). Collection method: clinical testing. Allele origin: germline.
Comment: This sequence change creates a premature translational stop signal (p.Phe2176Leufs*3) in the NF1 gene. It is expected to result in an absent or disrupted protein product. This variant is not present in population databases (ExAC no frequency). This variant has been reported in individuals in the Leiden Open-source Variation Database (PMID: 21520333). Loss-of-function variants in NF1 are known to be pathogenic (PMID: 10712197, 23913538). For these reasons, this variant has been classified as Pathogenic.

Laboratory of Medical Genetics, National & Kapodistrian University of Athens
Classification: Pathogenic for Neurofibromatosis, type 1. Last evaluated: 2019-01-01. Review status: no assertion criteria provided. Collection method: clinical testing. Allele origin: germline. Affected: yes. Not counted in ClinVar's aggregate classification.

Literature cited by the submitters: PubMed 21520333 (cited by Labcorp Genetics (formerly Invitae), Labcorp); PubMed 10712197 (cited by Labcorp Genetics (formerly Invitae), Labcorp); PubMed 23913538 (cited by Labcorp Genetics (formerly Invitae), Labcorp).

NM_001042492.3(NF1):c.6591del (p.Phe2197fs)

Gene: NF1 (neurofibromin 1; plus strand). Cytogenetic location: 17q11.2.
Variant type: Deletion.
Coding change: c.6591del on transcript NM_001042492.3 (MANE Select); coding-DNA position 6591, one base deleted (T; older notation c.6591delT).
Protein change: p.Phe2197fs; shifts the reading frame from phenylalanine 2197.
Molecular consequence: frameshift variant.
Genome position (GRCh38, 1-based): chr17:31,337,531, T deleted; the last of 4 consecutive T bases (chr17:31,337,528-31,337,531); deleting any one gives the same sequence. VCF-style (leftmost placement, unchanged base first): chr17-31337527-CT-C. GRCh37 (hg19) VCF-style: chr17-29664545-CT-C.
Other names: c.6528delT, p.Phe2176Leufs (NM_000267.4); c.6588delT (NM_001042492.3); short protein forms F2176fs, F2197fs.
Identifiers: ClinVar variation 1048733 (VCV001048733.2), dbSNP rs2069707755, ClinGen allele CA2499224194.